The following is an entry in ClinVar:

ClinVar aggregate classification (germline): Pathogenic (1 of 4 stars; one submission).

Conditions:
Charcot-Marie-Tooth disease type 4. Also called: Charcot-Marie-Tooth, Type 4; Charcot-Marie-Tooth disease, type IV. Identifiers: Orphanet 64749, MedGen C4082197, MONDO:0018995.

gnomAD v4.1: 1 of 1,614,144 alleles (0.000062%); highest among the groups gnomAD compares: Non-Finnish European, 0.000085%; no homozygotes.

Submission:

Labcorp Genetics (formerly Invitae), Labcorp
Classification: Pathogenic for Charcot-Marie-Tooth disease type 4. Last evaluated: 2024-07-11. Review status: criteria provided, single submitter. Criteria: Invitae Variant Classification Sherloc (09022015). Collection method: clinical testing. Allele origin: germline.
Comment: This sequence change creates a premature translational stop signal (p.Trp777*) in the SBF2 gene. It is expected to result in an absent or disrupted protein product. Loss-of-function variants in SBF2 are known to be pathogenic (PMID: 12687498, 25873783). This variant is not present in population databases (gnomAD no frequency). This variant has not been reported in the literature in individuals affected with SBF2-related conditions. For these reasons, this variant has been classified as Pathogenic.

Literature cited by the submitters: PubMed 12687498; PubMed 25873783.

NM_030962.4(SBF2):c.2331G>A (p.Trp777Ter)

Genes: SBF2 (SET binding factor 2; minus strand), LOC101928008 (uncharacterized LOC101928008; plus strand). Cytogenetic location: 11p15.4.
Variant type: single nucleotide variant.
Coding change: c.2331G>A on transcript NM_030962.4 (MANE Select); coding-DNA position 2331, G replaced by A.
Protein change: p.Trp777Ter; replaces tryptophan 777 with a stop codon.
Molecular consequence: nonsense.
Genome position (GRCh38, 1-based): chr11:9,856,490, C>T on the plus strand (G>A on the coding strand, the complement: SBF2 is on the minus strand). VCF-style: chr11-9856490-C-T. GRCh37 (hg19) VCF-style: chr11-9878037-C-T.
Other names: c.2331G>A, p.Trp777Ter (NM_001386339.1); c.2202G>A, p.Trp734Ter (NM_001386342.1); c.2367G>A, p.Trp789Ter (NM_001424318.1, NM_001425069.1, NM_001425070.1); short protein forms W734*, W777*, W789*.
Identifiers: ClinVar variation 3659277 (VCV003659277.2).